The following is an entry in ClinVar:

ClinVar aggregate classification (germline): Uncertain significance. Review status: criteria provided, multiple submitters, no conflicts (2 of 4 stars). 2 submissions from 2 submitters: Uncertain significance (2). Last evaluated 2024-06-12.

Conditions:
Glomerulopathy with fibronectin deposits 2 (GFND2). Identifiers: Orphanet 84090, MedGen C1866075, MONDO:0011165, OMIM 601894.
Spondylometaphyseal dysplasia - Sutcliffe type. Also called: Sutcliffe type of spondylometaphyseal dysplasia; Sutcliffe SMD; Spondylometaphyseal dysplasia, 'corner fracture' type; Spondylometaphyseal Dysplasia, Corner Fracture Type. Identifiers: Orphanet 93315, MedGen C0432221, MONDO:0008479, OMIM 184255.

gnomAD v4.1: 3 of 1,614,106 alleles (0.00019%); highest among the groups gnomAD compares: South Asian, 0.0022%; no homozygotes.

Submissions (2):

Fulgent Genetics
Classification: Uncertain significance for Spondylometaphyseal dysplasia - Sutcliffe type; Glomerulopathy with fibronectin deposits 2. Last evaluated: 2024-06-12. Review status: criteria provided, single submitter. Criteria: ACMG Guidelines, 2015. Collection method: clinical testing. Allele origin: germline.

Labcorp Genetics (formerly Invitae), Labcorp
Classification: Uncertain significance. Last evaluated: 2024-02-24. Review status: criteria provided, single submitter. Criteria: Invitae Variant Classification Sherloc (09022015). Collection method: clinical testing. Allele origin: germline.
Comment: This sequence change replaces leucine, which is neutral and non-polar, with tryptophan, which is neutral and slightly polar, at codon 407 of the FN1 protein (p.Leu407Trp). This variant is present in population databases (rs767501019, gnomAD 0.01%). This variant has not been reported in the literature in individuals affected with FN1-related conditions. Advanced modeling of protein sequence and biophysical properties (such as structural, functional, and spatial information, amino acid conservation, physicochemical variation, residue mobility, and thermodynamic stability) performed at Invitae indicates that this missense variant is not expected to disrupt FN1 protein function with a negative predictive value of 80%. In summary, the available evidence is currently insufficient to determine the role of this variant in disease. Therefore, it has been classified as a Variant of Uncertain Significance.

NM_212482.4(FN1):c.1220T>G (p.Leu407Trp)

Genes: FN1 (fibronectin 1; minus strand), LOC126806498 (CDK7 strongly-dependent group 2 enhancer GRCh37_chr2:216288045-216289244; plus strand). Cytogenetic location: 2q35.
Variant type: single nucleotide variant.
Coding change: c.1220T>G on transcript NM_212482.4 (MANE Select); coding-DNA position 1220, T replaced by G.
Protein change: p.Leu407Trp; replaces leucine 407 with tryptophan.
Molecular consequence: missense variant.
Genome position (GRCh38, 1-based): chr2:215,423,523, A>C on the plus strand (T>G on the coding strand, the complement: FN1 is on the minus strand). VCF-style: chr2-215423523-A-C. GRCh37 (hg19) VCF-style: chr2-216288246-A-C.
Other names: c.1220T>G, p.Leu407Trp (NM_001306129.2, NM_001306130.2, NM_001306131.2 and 14 more transcripts); short protein forms L407W.
Identifiers: ClinVar variation 3585541 (VCV003585541.3).